The following is an entry in ClinVar:

NM_001382567.1(STIM1):c.392A>G (p.Asn131Ser)

Gene: STIM1 (stromal interaction molecule 1; plus strand). Cytogenetic location: 11p15.4.
Variant type: single nucleotide variant.
Coding change: c.392A>G on transcript NM_001382567.1 (MANE Select); coding-DNA position 392, A replaced by G.
Protein change: p.Asn131Ser; replaces asparagine 131 with serine.
Molecular consequence: missense variant. On other transcripts: 5 prime UTR variant (2), non-coding transcript variant (3), intron variant (2).
Genome position (GRCh38, 1-based): chr11:4,055,532, A>G. VCF-style: chr11-4055532-A-G. GRCh37 (hg19) VCF-style: chr11-4076762-A-G.
Other names: c.170A>G, p.Asn57Ser (NM_001382573.1, NM_001382574.1, NM_001382575.1 and 5 more transcripts); c.-98A>G (NM_001382580.1, NM_001382581.1); c.392A>G, p.Asn131Ser (NM_003156.4, NM_001277961.3, NM_001277962.2 and 2 more transcripts); c.386-14494A>G (NM_001382570.1); c.18-3749A>G (NM_001382571.1); c.257A>G, p.Asn86Ser (NM_001382569.1); short protein forms N131S, N57S, N86S.
Identifiers: ClinVar variation 646975 (VCV000646975.11), dbSNP rs201274425, ClinGen allele CA5830213.

ClinVar aggregate classification (germline): Uncertain significance. Review status: criteria provided, multiple submitters, no conflicts (2 of 4 stars). 3 submissions from 3 submitters: Uncertain significance (3). Last evaluated 2026-01-22.

Conditions:
Combined immunodeficiency due to STIM1 deficiency. Also called: IMMUNODEFICIENCY 10; STIM1 DEFICIENCY. Identifiers: Orphanet 169090, Orphanet 317430, MedGen C2748557, MONDO:0013008, OMIM 612783.
Stormorken syndrome (STRMK). Also called: THROMBOCYTOPATHY, ASPLENIA, AND MIOSIS. Identifiers: Orphanet 3204, MedGen C1861451, MONDO:0008497, OMIM 185070.
Myopathy with tubular aggregates (TAM). Also called: Tubular Aggregate Myopathy. Identifiers: Orphanet 2593, MedGen C0410207, MONDO:0008051.
Inborn genetic diseases. Identifiers: MedGen C0950123, MeSH D030342.

Allele frequency attached by ClinVar (database versions not stated): gnomAD exomes 0.00001 and 0.00007; gnomAD 0.00003 and 0.00004; ExAC 0.00002; TOPMed 0.00004.
gnomAD v4.1: 102 of 1,595,482 alleles (0.0064%); highest among the groups gnomAD compares: Non-Finnish European, 0.0083%; no homozygotes.

Submissions (3):

Labcorp Genetics (formerly Invitae), Labcorp
Classification: Uncertain significance for Myopathy with tubular aggregates; Combined immunodeficiency due to STIM1 deficiency; Stormorken syndrome. Last evaluated: 2026-01-22. Review status: criteria provided, single submitter. Criteria: Invitae Variant Classification Sherloc (09022015). Collection method: clinical testing. Allele origin: germline.
Comment: This sequence change replaces asparagine, which is neutral and polar, with serine, which is neutral and polar, at codon 131 of the STIM1 protein (p.Asn131Ser). This variant is present in population databases (rs201274425, gnomAD 0.005%). This variant has not been reported in the literature in individuals affected with STIM1-related conditions. ClinVar contains an entry for this variant (Variation ID: 646975). Invitae Evidence Modeling of protein sequence and biophysical properties (such as structural, functional, and spatial information, amino acid conservation, physicochemical variation, residue mobility, and thermodynamic stability) has been performed for this missense variant. However, the output from this modeling did not meet the statistical confidence thresholds required to predict the impact of this variant on STIM1 protein function. In summary, the available evidence is currently insufficient to determine the role of this variant in disease. Therefore, it has been classified as a Variant of Uncertain Significance.

Ambry Genetics
Classification: Uncertain significance for Inborn genetic diseases. Last evaluated: 2025-06-09. Review status: criteria provided, single submitter. Criteria: Ambry Variant Classification Scheme 2023. Collection method: clinical testing. Allele origin: germline.

GeneDx
Classification: Uncertain significance. Last evaluated: 2023-04-03. Review status: criteria provided, single submitter. Criteria: GeneDx Variant Classification Process June 2021. Collection method: clinical testing. Allele origin: germline. Affected: yes.
Comment: In silico analysis supports that this missense variant has a deleterious effect on protein structure/function; Has not been previously published as pathogenic or benign to our knowledge